The following is an entry in ClinVar:

NM_002303.6(LEPR):c.2327dup (p.Asn776fs)

Gene: LEPR (leptin receptor; plus strand). Cytogenetic location: 1p31.3.
Variant type: Duplication.
Coding change: c.2327dup on transcript NM_002303.6 (MANE Select); coding-DNA position 2327, one base duplicated (A; older notation c.2327dupA).
Protein change: p.Asn776fs; shifts the reading frame from asparagine 776.
Molecular consequence: frameshift variant.
Genome position (GRCh38, 1-based): chr1:65,618,078, A duplicated; the last of 5 consecutive A bases (chr1:65,618,074-65,618,078); duplicating any one gives the same sequence. VCF-style (leftmost placement, unchanged base first): chr1-65618073-G-GA. GRCh37 (hg19) VCF-style: chr1-66083756-G-GA.
Other names: c.2327dup, p.Asn776fs (NM_001003679.3, NM_001003680.3, NM_001198687.2 and 2 more transcripts); c.2327dupA (NM_002303.5); short protein forms N776fs.
Identifiers: ClinVar variation 4991132 (VCV004991132.1).

ClinVar aggregate classification (germline): Likely pathogenic (1 of 4 stars; one submission).

Conditions:
LEPR-related disorder. Also called: LEPR-related condition; LEPR-related disorders.

Submission:

PreventionGenetics, part of Exact Sciences
Classification: Likely pathogenic for LEPR-related condition. Last evaluated: 2026-07-02. Review status: criteria provided, single submitter. Criteria: ACMG Guidelines, 2015. Collection method: clinical testing. Allele origin: germline.
Comment: The LEPR c.2327dupA variant is predicted to result in a frameshift and premature protein termination (p.Asn776Lysfs*3). To our knowledge, this variant has not been reported in the literature or in a large population database (gnomAD), indicating this variant is rare. Frameshift variants in LEPR are expected to be pathogenic. This variant is interpreted as likely pathogenic.